The following is an entry in ClinVar:

NM_014425.5(INVS):c.3038T>G (p.Ile1013Arg)

Gene: INVS (inversin; plus strand). Cytogenetic location: 9q31.1.
Variant type: single nucleotide variant.
Coding change: c.3038T>G on transcript NM_014425.5 (MANE Select); coding-DNA position 3038, T replaced by G.
Protein change: p.Ile1013Arg; replaces isoleucine 1013 with arginine.
Molecular consequence: missense variant. On other transcripts: non-coding transcript variant (1).
Genome position (GRCh38, 1-based): chr9:100,297,957, T>G. VCF-style: chr9-100297957-T-G. GRCh37 (hg19) VCF-style: chr9-103060239-T-G.
Other names: c.2750T>G, p.Ile917Arg (NM_001318381.2); c.2060T>G, p.Ile687Arg (NM_001318382.2); c.3038T>G (NM_014425.2); short protein forms I1013R, I687R, I917R.
Identifiers: ClinVar variation 1004154 (VCV001004154.7), dbSNP rs1833838349, ClinGen allele CA374245514.

ClinVar aggregate classification (germline): Uncertain significance. Review status: criteria provided, multiple submitters, no conflicts (2 of 4 stars). 2 submissions from 2 submitters: Uncertain significance (2). Last evaluated 2025-05-01.

Conditions:
Inborn genetic diseases. Identifiers: MedGen C0950123, MeSH D030342.
Nephronophthisis. Also called: Juvenile Nephronophthisis. Identifiers: Orphanet 655, MedGen C0687120, MONDO:0019005, HP:0000090.

Submissions (2):

Ambry Genetics
Classification: Uncertain significance for Inborn genetic diseases. Last evaluated: 2025-05-01. Review status: criteria provided, single submitter. Criteria: Ambry Variant Classification Scheme 2023. Collection method: clinical testing. Allele origin: germline.

Labcorp Genetics (formerly Invitae), Labcorp
Classification: Uncertain significance for Nephronophthisis. Last evaluated: 2021-08-24. Review status: criteria provided, single submitter. Criteria: Invitae Variant Classification Sherloc (09022015). Collection method: clinical testing. Allele origin: germline.
Comment: This sequence change replaces isoleucine with arginine at codon 1013 of the INVS protein (p.Ile1013Arg). The isoleucine residue is weakly conserved and there is a moderate physicochemical difference between isoleucine and arginine. This variant is not present in population databases (ExAC no frequency). This variant has not been reported in the literature in individuals affected with INVS-related conditions. Algorithms developed to predict the effect of missense changes on protein structure and function are either unavailable or do not agree on the potential impact of this missense change (SIFT: "Deleterious"; PolyPhen-2: "Benign"; Align-GVGD: "Class C0"). In summary, the available evidence is currently insufficient to determine the role of this variant in disease. Therefore, it has been classified as a Variant of Uncertain Significance.